The following is an entry in ClinVar:

NM_004415.4(DSP):c.4751C>G (p.Ala1584Gly)

Gene: DSP (desmoplakin; plus strand). Cytogenetic location: 6p24.3.
Variant type: single nucleotide variant.
Coding change: c.4751C>G on transcript NM_004415.4 (MANE Select); coding-DNA position 4751, C replaced by G.
Protein change: p.Ala1584Gly; replaces alanine 1584 with glycine.
Molecular consequence: missense variant. On other transcripts: intron variant (2).
Genome position (GRCh38, 1-based): chr6:7,580,941, C>G. VCF-style: chr6-7580941-C-G. GRCh37 (hg19) VCF-style: chr6-7581174-C-G.
Other names: c.4050+701C>G (NM_001319034.2); c.3582+1169C>G (NM_001008844.3); short protein forms A1584G.
Identifiers: ClinVar variation 4015120 (VCV004015120.2).

ClinVar aggregate classification (germline): Uncertain significance (1 of 4 stars; one submission).

Conditions:
Cardiovascular phenotype. Identifiers: MedGen CN230736.

Submission:

Ambry Genetics
Classification: Uncertain significance for Cardiovascular phenotype. Last evaluated: 2026-09-11. Review status: criteria provided, single submitter. Criteria: Ambry Variant Classification Scheme 2023. Collection method: clinical testing. Allele origin: germline.
Comment: The p.A1584G variant (also known as c.4751C>G), located in coding exon 23 of the DSP gene, results from a C to G substitution at nucleotide position 4751. The alanine at codon 1584 is replaced by glycine, an amino acid with similar properties. This amino acid position is conserved. In addition, this alteration is predicted to be tolerated by in silico analysis. Based on the available evidence, the clinical significance of this variant remains unclear.